The following is an entry in ClinVar:

ClinVar aggregate classification (germline): Conflicting classifications of pathogenicity. Review status: criteria provided, conflicting classifications (1 of 4 stars). 8 submissions from 8 submitters: Uncertain significance (1); Benign (1); Likely benign (5). 1 of the submissions does not count toward it. Last evaluated 2026-02-02.

Conditions:
ADAMTS2-related disorder. Also called: ADAMTS2-related condition.
Ehlers-Danlos syndrome, dermatosparaxis type. Also called: Ehlers-Danlos syndrome, type VII, autosomal recessive; EDS VIIC; Dermatosparaxis. Identifiers: Orphanet 1901, MedGen C2700425, MONDO:0009161, OMIM 225410.

Allele frequency attached by ClinVar (database versions not stated): gnomAD exomes 0.00010; 1000 Genomes Project 30x 0.00094; gnomAD 0.00128 and 0.00140; TOPMed 0.00140.
gnomAD v4.1: 297 of 1,106,100 alleles (0.027%); highest among the groups gnomAD compares: African/African-American, 0.45%; no homozygotes.

Submissions (8):

Labcorp Genetics (formerly Invitae), Labcorp
Classification: Likely benign for Ehlers-Danlos syndrome, dermatosparaxis type. Last evaluated: 2026-02-02. Review status: criteria provided, single submitter. Criteria: Invitae Variant Classification Sherloc (09022015). Collection method: clinical testing. Allele origin: germline.

Mayo Clinic Laboratories, Mayo Clinic
Classification: Likely benign. Last evaluated: 2025-10-20. Review status: criteria provided, single submitter. Criteria: ACMG Guidelines, 2015. Collection method: clinical testing. Allele origin: germline. Observed: 4 variant alleles.
Comment: BS1, BP4, BP7

Women's Health and Genetics/Laboratory Corporation of America, LabCorp
Classification: Benign. Last evaluated: 2025-09-17. Review status: criteria provided, single submitter. Criteria: LabCorp Variant Classification Summary - May 2015. Collection method: clinical testing. Allele origin: germline.
Comment: Variant summary: ADAMTS2 c.139+4G>A alters a nucleotide located close to a canonical splice site and therefore could affect mRNA splicing, leading to a significantly altered protein sequence. Consensus agreement among computation tools predict no significant impact on normal splicing. However, these predictions have yet to be confirmed by functional studies. The variant allele was found at a frequency of 0.0014 in 29214 control chromosomes, predominantly at a frequency of 0.0047 within the African or African-American subpopulation in the gnomAD database. The observed variant frequency within African or African-American control individuals in the gnomAD database exceeds the estimated maximal expected allele frequency for disease-causing variants in ADAMTS2. To our knowledge, no occurrence of c.139+4G>A in individuals affected with ADAMTS2-related conditions and no experimental evidence demonstrating its impact on protein function have been reported. ClinVar contains an entry for this variant (Variation ID: 678955). Based on the evidence outlined above, the variant was classified as benign.

PreventionGenetics, part of Exact Sciences
Classification: Likely benign for ADAMTS2-related condition. Last evaluated: 2025-06-12. Review status: criteria provided, single submitter. Criteria: ACMG Guidelines, 2015. Collection method: clinical testing. Allele origin: germline.
Comment: This variant is classified as likely benign based on ACMG/AMP sequence variant interpretation guidelines (Richards et al. 2015 PMID: 25741868, with internal and published modifications).

Blueprint Genetics
Classification: Likely benign. Last evaluated: 2024-06-26. Review status: criteria provided, single submitter. Criteria: ACMG Guidelines, 2015. Collection method: clinical testing. Allele origin: germline.

GeneDx
Classification: Likely benign. Last evaluated: 2021-06-22. Review status: criteria provided, single submitter. Criteria: GeneDx Variant Classification Process June 2021. Collection method: clinical testing. Allele origin: germline. Affected: yes.

Baylor Genetics
Classification: Uncertain significance for Ehlers-Danlos syndrome, dermatosparaxis type. Last evaluated: 2019-08-16. Review status: criteria provided, single submitter. Criteria: ACMG Guidelines, 2015. Collection method: clinical testing. Allele origin: unknown. Affected: yes.
Comment: This variant was determined to be of uncertain significance according to ACMG Guidelines, 2015 [PMID:25741868].

Natera, Inc.
Classification: Likely benign for Ehlers-Danlos syndrome type VIIC. Last evaluated: 2019-11-11. Review status: no assertion criteria provided. Collection method: clinical testing. Allele origin: germline. Not counted in ClinVar's aggregate classification.

NM_014244.5(ADAMTS2):c.139+4G>A

Gene: ADAMTS2 (ADAM metallopeptidase with thrombospondin type 1 motif 2; minus strand). Cytogenetic location: 5q35.3.
Variant type: single nucleotide variant.
Coding change: c.139+4G>A on transcript NM_014244.5 (MANE Select); 4 bases into the intron after coding-DNA position 139, G replaced by A.
Molecular consequence: intron variant.
Genome position (GRCh38, 1-based): chr5:179,345,186, C>T on the plus strand (G>A on the coding strand, the complement: ADAMTS2 is on the minus strand). VCF-style: chr5-179345186-C-T. GRCh37 (hg19) VCF-style: chr5-178772187-C-T.
Other names: p.?; c.139+4G>A (NM_021599.4).
Identifiers: ClinVar variation 678955 (VCV000678955.22), dbSNP rs1023653032, ClinGen allele CA133086818.